The following is an entry in ClinVar:

ClinVar aggregate classification (germline): Uncertain significance. Review status: criteria provided, multiple submitters, no conflicts (2 of 4 stars). 2 submissions from 2 submitters: Uncertain significance (2). Last evaluated 2024-08-29.

Conditions:
Peroxisome biogenesis disorder. Identifiers: Orphanet 79189, MedGen C1832200, MONDO:0019234. Disease mechanism: loss of function.
Inborn genetic diseases. Identifiers: MedGen C0950123, MeSH D030342.

Allele frequency attached by ClinVar (database versions not stated): TOPMed below 0.00001.
gnomAD v4.1: 12 of 1,613,954 alleles (0.00074%); highest among the groups gnomAD compares: East Asian, 0.0045%; no homozygotes.

Submissions (2):

Ambry Genetics
Classification: Uncertain significance for Inborn genetic diseases. Last evaluated: 2024-08-29. Review status: criteria provided, single submitter. Criteria: Ambry Variant Classification Scheme 2023. Collection method: clinical testing. Allele origin: germline.

Labcorp Genetics (formerly Invitae), Labcorp
Classification: Uncertain significance for Peroxisome biogenesis disorder. Last evaluated: 2021-09-01. Review status: criteria provided, single submitter. Criteria: Invitae Variant Classification Sherloc (09022015). Collection method: clinical testing. Allele origin: germline.
Comment: This sequence change replaces arginine with glutamine at codon 379 of the PEX6 protein (p.Arg379Gln). The arginine residue is weakly conserved and there is a small physicochemical difference between arginine and glutamine. This variant is present in population databases (rs774086639, ExAC 0.01%). This variant has not been reported in the literature in individuals affected with PEX6-related conditions. Algorithms developed to predict the effect of missense changes on protein structure and function output the following: SIFT: "Tolerated"; PolyPhen-2: "Benign"; Align-GVGD: "Class C0". The glutamine amino acid residue is found in multiple mammalian species, which suggests that this missense change does not adversely affect protein function. In summary, the available evidence is currently insufficient to determine the role of this variant in disease. Therefore, it has been classified as a Variant of Uncertain Significance.

NM_000287.4(PEX6):c.1136G>A (p.Arg379Gln)

Gene: PEX6 (peroxisomal biogenesis factor 6; minus strand). Cytogenetic location: 6p21.1.
Variant type: single nucleotide variant.
Coding change: c.1136G>A on transcript NM_000287.4 (MANE Select); coding-DNA position 1136, G replaced by A.
Protein change: p.Arg379Gln; replaces arginine 379 with glutamine.
Molecular consequence: missense variant. On other transcripts: non-coding transcript variant (1).
Genome position (GRCh38, 1-based): chr6:42,969,982, C>T on the plus strand (G>A on the coding strand, the complement: PEX6 is on the minus strand). VCF-style: chr6-42969982-C-T. GRCh37 (hg19) VCF-style: chr6-42937720-C-T.
Other names: c.1136G>A (NM_000287.3); c.872G>A, p.Arg291Gln (NM_001316313.2); short protein forms R291Q, R379Q.
Identifiers: ClinVar variation 2421940 (VCV002421940.6), dbSNP rs774086639, ClinGen allele CA3811433.